The following is an entry in ClinVar:

ClinVar aggregate classification (germline): Pathogenic (3 of 4 stars; one submission).

Conditions:
Phenylketonuria (PKU). Also called: OLIGOPHRENIA PHENYLPYRUVICA; Phenylketonuria (PKU); Phenylketonurias; FOLLING DISEASE. Identifiers: Orphanet 716, MedGen C0031485, MONDO:0009861, OMIM 261600. Disease mechanism: loss of function.

Allele frequency attached by ClinVar (database versions not stated): TOPMed 0.00001.

Submission:

ClinGen PAH Variant Curation Expert Panel
Classification: Pathogenic for Phenylketonuria. Last evaluated: 2020-10-15. Review status: reviewed by expert panel. Criteria: ClinGen PAH ACMG Specifications v1. Collection method: curation. Allele origin: germline. Inheritance: Autosomal recessive inheritance.
Comment: This c.707-1G>C (aka IVS6-1G>C) variant in PAH has been observed in one patient with classic PKU, in trans with pathogenic variant c.441+5G>T (PMID: 30159852). This variant is absent from controls in population databases. This variant in the -1 splice acceptor site of intron 6 results in exon skipping or use of a cryptic splice site. The variant disrupts the reading frame and is predicted to undergo nonsense mediated decay. This variant breaks the splice site in intron 6 according to computational models. In summary, this variant meets criteria to be classified as pathogenic for PAH. PAH-specific ACMG/AMP criteria applied: PVS1, PM2, PM3, and PP4.

Literature cited by the submitters: PubMed 30159852.

NM_000277.3(PAH):c.707-1G>C

Gene: PAH (phenylalanine hydroxylase; minus strand). Cytogenetic location: 12q23.2.
Variant type: single nucleotide variant.
Coding change: c.707-1G>C on transcript NM_000277.3 (MANE Select); the canonical splice acceptor site of the intron before coding-DNA position 707, G replaced by C.
Molecular consequence: splice acceptor variant.
Genome position (GRCh38, 1-based): chr12:102,852,951, C>G on the plus strand (G>C on the coding strand, the complement: PAH is on the minus strand). VCF-style: chr12-102852951-C-G. GRCh37 (hg19) VCF-style: chr12-103246729-C-G.
Other names: c.707-1G>C (NM_001354304.2).
Identifiers: ClinVar variation 987774 (VCV000987774.1), dbSNP rs62507269, ClinGen allele CA386295865.
Genomic context (GRCh38, chr12:102,852,951, plus strand): 5'-CCAAGAAATCCCGAGAGGAAAGCAGGCCAGCCACAGGTCGGAGGCGGAAACCAGTGCAAG[C>G]TGGGATGAAAAGAAGAAAGAAAACTCAAAGCTCATCACCACTGAGTCAGAGGCACTAGGA-3'